The following is an entry in ClinVar:

NM_020988.3:c.465-53_*122del

Gene: GNAO1 (G protein subunit alpha o1; plus strand).
Variant type: Deletion.
Other names: c.465-53_*122del (NM_020988.3).
Identifiers: ClinVar variation 4857473 (VCV004857473.1).

ClinVar aggregate classification (germline): Pathogenic (1 of 4 stars; one submission).

Conditions:
Developmental and epileptic encephalopathy, 17 (DEE17). Also called: Early infantile epileptic encephalopathy 17. Identifiers: Orphanet 1934, MedGen C3809606, MONDO:0014199, OMIM 615473.

Submission:

Institute of Human Genetics, University of Leipzig Medical Center
Classification: Pathogenic for Developmental and epileptic encephalopathy, 17. Last evaluated: 2026-05-05. Review status: criteria provided, single submitter. Criteria: ACMG Guidelines, 2015. Collection method: clinical testing. Allele origin: unknown. Inheritance: Autosomal dominant inheritance. Affected: yes.
Comment: Criteria applied: PVS1,PM2